The following is an entry in ClinVar:

ClinVar aggregate classification (germline): Uncertain significance (1 of 4 stars; one submission).

Submission:

Labcorp Genetics (formerly Invitae), Labcorp
Classification: Uncertain significance. Last evaluated: 2024-02-24. Review status: criteria provided, single submitter. Criteria: Invitae Variant Classification Sherloc (09022015). Collection method: clinical testing. Allele origin: germline.
Comment: This sequence change replaces alanine, which is neutral and non-polar, with threonine, which is neutral and polar, at codon 674 of the BCL11B protein (p.Ala674Thr). Information on the frequency of this variant in the gnomAD database is not available, as this variant may be reported differently in the database. This variant has not been reported in the literature in individuals affected with BCL11B-related conditions. ClinVar contains an entry for this variant (Variation ID: 2023082). Experimental studies and prediction algorithms are not available or were not evaluated, and the functional significance of this variant is currently unknown. In summary, the available evidence is currently insufficient to determine the role of this variant in disease. Therefore, it has been classified as a Variant of Uncertain Significance.

NM_138576.4(BCL11B):c.2019_2020delinsTA (p.Ala674Thr)

Gene: BCL11B (BCL11 transcription factor B; minus strand). Cytogenetic location: 14q32.2.
Variant type: Indel.
Coding change: c.2019_2020delinsTA on transcript NM_138576.4 (MANE Select); coding-DNA positions 2019 to 2020, CG replaced by TA.
Protein change: p.Ala674Thr; replaces alanine 674 with threonine.
Molecular consequence: missense variant.
Genome position (GRCh38, 1-based): chr14:99,174,816-99,174,817, CG replaced by TA on the plus strand (CG replaced by TA on the coding strand, the reverse complement: BCL11B is on the minus strand). VCF-style: chr14-99174816-CG-TA. GRCh37 (hg19) VCF-style: chr14-99641153-CG-TA.
Other names: c.2016_2017delinsTA, p.Ala673Thr (NM_001282237.2); c.1803_1804delinsTA, p.Ala602Thr (NM_001282238.2); c.1806_1807delinsTA, p.Ala603Thr (NM_022898.3); short protein forms A674T, A603T, A673T, A602T.
Identifiers: ClinVar variation 2023082 (VCV002023082.4), dbSNP rs2503639840, ClinGen allele CA2580089060.